The following is an entry in ClinVar:

ClinVar aggregate classification (germline): Likely benign. Review status: criteria provided, multiple submitters, no conflicts (2 of 4 stars). 5 submissions from 5 submitters: Likely benign (4). 1 of the submissions does not count toward it. Last evaluated 2025-12-23.

Conditions:
Hereditary cancer-predisposing syndrome. Also called: Hereditary neoplastic syndrome; Tumor predisposition; Neoplastic Syndromes, Hereditary; Hereditary Cancer Syndrome. Identifiers: Orphanet 140162, MedGen C0027672, MeSH D009386, MONDO:0015356.
Gorlin syndrome. Also called: Basal cell nevus syndrome; Nevoid Basal Cell Carcinoma Syndrome. Identifiers: Orphanet 377, MedGen C0004779, MONDO:0007187.
PTCH1-related disorder. Also called: PTCH1-related disorders; PTCH1-related condition.

Allele frequency attached by ClinVar (database versions not stated): TOPMed 0.00001; gnomAD 0.00002 and 0.00003; ExAC 0.00003; gnomAD exomes 0.00004; 1000 Genomes Project 0.00020; 1000 Genomes Project 30x 0.00031.
gnomAD v4.1: 51 of 1,613,570 alleles (0.0032%); highest among the groups gnomAD compares: South Asian, 0.038%; no homozygotes.

Submissions (5):

Labcorp Genetics (formerly Invitae), Labcorp
Classification: Likely benign for Gorlin syndrome. Last evaluated: 2025-12-23. Review status: criteria provided, single submitter. Criteria: Invitae Variant Classification Sherloc (09022015). Collection method: clinical testing. Allele origin: germline.

Quest Diagnostics Nichols Institute San Juan Capistrano
Classification: Likely benign. Last evaluated: 2025-10-29. Review status: criteria provided, single submitter. Criteria: Quest Diagnostics criteria. Collection method: clinical testing. Allele origin: unknown.

Ambry Genetics
Classification: Likely benign for Hereditary cancer-predisposing syndrome. Last evaluated: 2022-10-28. Review status: criteria provided, single submitter. Criteria: Ambry Variant Classification Scheme 2023. Collection method: clinical testing. Allele origin: germline.

GeneDx
Classification: Likely benign. Last evaluated: 2016-12-05. Review status: criteria provided, single submitter. Criteria: GeneDx Variant Classification (06012015). Collection method: clinical testing. Allele origin: germline. Affected: yes.
Comment: This variant is considered likely benign or benign based on one or more of the following criteria: it is a conservative change, it occurs at a poorly conserved position in the protein, it is predicted to be benign by multiple in silico algorithms, and/or has population frequency not consistent with disease.

PreventionGenetics, part of Exact Sciences
Classification: Likely benign for PTCH1-related condition. Last evaluated: 2024-08-29. Review status: no assertion criteria provided. Collection method: clinical testing. Allele origin: germline. Not counted in ClinVar's aggregate classification.
Comment: This variant is classified as likely benign based on ACMG/AMP sequence variant interpretation guidelines (Richards et al. 2015 PMID: 25741868, with internal and published modifications).

NM_000264.5(PTCH1):c.4148C>T (p.Pro1383Leu)

Gene: PTCH1 (patched 1; minus strand). Cytogenetic location: 9q22.32.
Variant type: single nucleotide variant.
Coding change: c.4148C>T on transcript NM_000264.5 (MANE Select); coding-DNA position 4148, C replaced by T.
Protein change: p.Pro1383Leu; replaces proline 1383 with leucine.
Molecular consequence: missense variant. On other transcripts: non-coding transcript variant (1).
Genome position (GRCh38, 1-based): chr9:95,447,108, G>A on the plus strand (C>T on the coding strand, the complement: PTCH1 is on the minus strand). VCF-style: chr9-95447108-G-A. GRCh37 (hg19) VCF-style: chr9-98209390-G-A.
Other names: c.3950C>T, p.Pro1317Leu (NM_001083602.3); c.4145C>T, p.Pro1382Leu (NM_001083603.3); c.3695C>T, p.Pro1232Leu (NM_001083604.3, NM_001083605.3, NM_001083606.3 and 1 more transcripts); c.3992C>T, p.Pro1331Leu (NM_001354918.2); c.4148C>T (NM_000264.4); short protein forms P1317L, P1383L, P1331L, P1232L, P1382L.
Identifiers: ClinVar variation 381582 (VCV000381582.16), dbSNP rs571030658, ClinGen allele CA5137941.